The following is an entry in ClinVar:

ClinVar aggregate classification (germline): Likely benign. Review status: criteria provided, multiple submitters, no conflicts (2 of 4 stars). 2 submissions from 2 submitters: Likely benign (2). Last evaluated 2023-01-17.

Conditions:
Methylmalonic acidemia with homocystinuria, type cblX (MAHCX). Also called: INTELLECTUAL DEVELOPMENTAL DISORDER, X-LINKED 3. Identifiers: Orphanet 369962, MedGen C0796208, MONDO:0010657, OMIM 309541.

Allele frequency attached by ClinVar (database versions not stated): ExAC 0.00001; gnomAD exomes 0.00001 and 0.00007; gnomAD 0.00003.
gnomAD v4.1: 75 of 1,190,626 alleles (0.0063%); highest among the groups gnomAD compares: Non-Finnish European, 0.0084%; no homozygotes.

Submissions (2):

Labcorp Genetics (formerly Invitae), Labcorp
Classification: Likely benign for Methylmalonic acidemia with homocystinuria, type cblX. Last evaluated: 2023-01-17. Review status: criteria provided, single submitter. Criteria: Invitae Variant Classification Sherloc (09022015). Collection method: clinical testing. Allele origin: germline.

GeneDx
Classification: Likely benign. Last evaluated: 2017-02-07. Review status: criteria provided, single submitter. Criteria: GeneDx Variant Classification (06012015). Collection method: clinical testing. Allele origin: germline. Affected: yes.
Comment: This variant is considered likely benign or benign based on one or more of the following criteria: it is a conservative change, it occurs at a poorly conserved position in the protein, it is predicted to be benign by multiple in silico algorithms, and/or has population frequency not consistent with disease.

NM_005334.3(HCFC1):c.4041T>G (p.Gly1347=)

Gene: HCFC1 (host cell factor C1; minus strand). Cytogenetic location: Xq28.
Variant type: single nucleotide variant.
Coding change: c.4041T>G on transcript NM_005334.3 (MANE Select); coding-DNA position 4041, T replaced by G.
Protein change: p.Gly1347=; no amino-acid change (glycine 1347 retained).
Molecular consequence: synonymous variant.
Genome position (GRCh38, 1-based): chrX:153,954,358, A>C on the plus strand (T>G on the coding strand, the complement: HCFC1 is on the minus strand). VCF-style: chrX-153954358-A-C. GRCh37 (hg19) VCF-style: chrX-153219809-A-C.
Identifiers: ClinVar variation 507029 (VCV000507029.4), dbSNP rs782457287, ClinGen allele CA10557086.